The following is an entry in ClinVar:

ClinVar aggregate classification (germline): Pathogenic. Review status: reviewed by expert panel (3 of 4 stars). 3 submissions from 3 submitters: Pathogenic (1). 2 of the submissions do not count toward it. Last evaluated 2016-10-18.

Conditions:
Hereditary breast ovarian cancer syndrome. Also called: Hereditary breast and ovarian cancer syndrome (HBOC); Breast and ovarian cancer; Hereditary breast and ovarian cancer syndrome; Hereditary breast and ovarian cancer; BRCA1- and BRCA2-Associated Hereditary Breast and Ovarian Cancer; Hereditary breast and/or ovarian cancer syndrome. Identifiers: Orphanet 145, MedGen C0677776, MeSH D061325, MONDO:0003582. Disease mechanism: loss of function.
Breast-ovarian cancer, familial, susceptibility to, 1 (BROVCA1). Also called: BRCA1 Hereditary Breast and Ovarian Cancer; OVARIAN CANCER, SUSCEPTIBILITY TO. Identifiers: Orphanet 145, MedGen C2676676, MONDO:0011450, OMIM 604370. Disease mechanism: loss of function.

Submissions (3):

Evidence-based Network for the Interpretation of Germline Mutant Alleles (ENIGMA)
Classification: Pathogenic for Breast-ovarian cancer, familial, susceptibility to, 1. Last evaluated: 2016-10-18. Review status: reviewed by expert panel. Criteria: ENIGMA BRCA1/2 Classification Criteria (2015). Collection method: curation. Allele origin: germline.
Comment: Variant allele predicted to encode a truncated non-functional protein.

Labcorp Genetics (formerly Invitae), Labcorp
Classification: Pathogenic for Hereditary breast ovarian cancer syndrome. Last evaluated: 2024-06-03. Review status: criteria provided, single submitter. Criteria: Invitae Variant Classification Sherloc (09022015). Collection method: clinical testing. Allele origin: germline. Not counted in ClinVar's aggregate classification.
Comment: This sequence change creates a premature translational stop signal (p.Glu565*) in the BRCA1 gene. It is expected to result in an absent or disrupted protein product. Loss-of-function variants in BRCA1 are known to be pathogenic (PMID: 20104584). This variant is not present in population databases (gnomAD no frequency). This premature translational stop signal has been observed in individual(s) with breast and/or ovarian cancer (PMID: 29446198). ClinVar contains an entry for this variant (Variation ID: 266181). For these reasons, this variant has been classified as Pathogenic.

Consortium of Investigators of Modifiers of BRCA1/2 (CIMBA), c/o University of Cambridge
Classification: Pathogenic for Breast-ovarian cancer, familial, susceptibility to, 1. Last evaluated: 2015-10-02. Review status: criteria provided, single submitter. Criteria: CIMBA Mutation Classification guidelines May 2016. Collection method: clinical testing. Allele origin: germline. Not counted in ClinVar's aggregate classification.

Literature cited by the submitters: PubMed 20104584 (cited by Labcorp Genetics (formerly Invitae), Labcorp); PubMed 29446198 (cited by Labcorp Genetics (formerly Invitae), Labcorp).

NM_007294.4(BRCA1):c.1693G>T (p.Glu565Ter)

Gene: BRCA1 (BRCA1 DNA repair associated; minus strand). Cytogenetic location: 17q21.31.
Variant type: single nucleotide variant.
Coding change: c.1693G>T on transcript NM_007294.4 (MANE Select); coding-DNA position 1693, G replaced by T.
Protein change: p.Glu565Ter; replaces glutamic acid 565 with a stop codon.
Molecular consequence: nonsense. On other transcripts: intron variant (137).
Genome position (GRCh38, 1-based): chr17:43,093,838, C>A on the plus strand (G>T on the coding strand, the complement: BRCA1 is on the minus strand). VCF-style: chr17-43093838-C-A. GRCh37 (hg19) VCF-style: chr17-41245855-C-A.
Other names: 1812G>T; c.1480G>T, p.Glu494Ter (NM_001407571.1, NM_001407915.1, NM_001407916.1 and 9 more transcripts); c.1693G>T, p.Glu565Ter (NM_001407581.1, NM_001407582.1, NM_001407583.1 and 30 more transcripts); c.1690G>T, p.Glu564Ter (NM_001407587.1, NM_001407590.1, NM_001407591.1 and 22 more transcripts); c.1615G>T, p.Glu539Ter (NM_001407653.1, NM_001407654.1, NM_001407655.1 and 4 more transcripts); c.1612G>T, p.Glu538Ter (NM_001407659.1, NM_001407660.1, NM_001407661.1 and 1 more transcripts); c.1567G>T, p.Glu523Ter (NM_001407671.1, NM_001407672.1, NM_001407673.1 and 11 more transcripts); c.1570G>T, p.Glu524Ter (NM_001407674.1, NM_001407675.1, NM_001407676.1 and 19 more transcripts); and 41 more; short protein forms E565*, E518*, E437*, E453*, E494*, E495*, E517*, E538*.
Identifiers: ClinVar variation 266181 (VCV000266181.8), dbSNP rs886039963, ClinGen allele CA10589924.